The following is an entry in ClinVar:

ClinVar aggregate classification (germline): Uncertain significance (1 of 4 stars; one submission).

Conditions:
Autosomal recessive spinocerebellar ataxia 18. Identifiers: Orphanet 363432, MedGen C4015505, MONDO:0014530, OMIM 616204.

gnomAD v4.1: 77 of 1,610,168 alleles (0.0048%); highest among the groups gnomAD compares: East Asian, 0.029%; no homozygotes.

Submission:

3billion
Classification: Uncertain significance for Autosomal recessive spinocerebellar ataxia 18. Last evaluated: 2026-01-15. Review status: criteria provided, single submitter. Criteria: ACMG Guidelines, 2015. Collection method: clinical testing. Allele origin: germline. Affected: yes.
Comment: The variant is observed at an extremely low frequency in the gnomAD v4.1.0 dataset (total allele frequency: 0.005%). Predicted Consequence/Location: Missense variant Damaging effect on gene or gene product predicted by in silico programs is uncertain [REVEL: 0.59 (damaging >=0.6, benign <0.4)]. The variant has been reported as of uncertain significance (PMID: 25133958). Therefore, this variant is classified as VUS according to the recommendation of ACMG/AMP guideline.

NM_001510.4(GRID2):c.989C>T (p.Thr330Met)

Gene: GRID2 (glutamate ionotropic receptor delta type subunit 2; plus strand). Cytogenetic location: 4q22.2.
Variant type: single nucleotide variant.
Coding change: c.989C>T on transcript NM_001510.4 (MANE Select); coding-DNA position 989, C replaced by T.
Protein change: p.Thr330Met; replaces threonine 330 with methionine.
Molecular consequence: missense variant.
Genome position (GRCh38, 1-based): chr4:93,224,639, C>T. VCF-style: chr4-93224639-C-T. GRCh37 (hg19) VCF-style: chr4-94145790-C-T.
Other names: c.704C>T, p.Thr235Met (NM_001286838.1); c.989C>T, p.Thr330Met (NM_001440459.1); short protein forms T235M, T330M.
Identifiers: ClinVar variation 4855759 (VCV004855759.1).